The following is an entry in ClinVar:

ClinVar aggregate classification (germline): Uncertain significance (1 of 4 stars; one submission).

Conditions:
Bethlem myopathy 1A. Also called: MYOPATHY, BENIGN CONGENITAL, WITH CONTRACTURES; Bethlem myopathy 1; Bethlem Muscular Dystrophy. Identifiers: Orphanet 610, MedGen CN029274, MONDO:0024530, OMIM 158810.

gnomAD v4.1: 2 of 1,606,740 alleles (0.00012%); highest among the groups gnomAD compares: South Asian, 0.0011%; no homozygotes.

Submission:

Labcorp Genetics (formerly Invitae), Labcorp
Classification: Uncertain significance for Bethlem myopathy 1A. Last evaluated: 2025-08-24. Review status: criteria provided, single submitter. Criteria: Invitae Variant Classification Sherloc (09022015). Collection method: clinical testing. Allele origin: germline.
Comment: This sequence change replaces histidine, which is basic and polar, with arginine, which is basic and polar, at codon 843 of the COL6A1 protein (p.His843Arg). This variant is not present in population databases (gnomAD no frequency). This variant has not been reported in the literature in individuals affected with COL6A1-related conditions. Invitae Evidence Modeling of protein sequence and biophysical properties (such as structural, functional, and spatial information, amino acid conservation, physicochemical variation, residue mobility, and thermodynamic stability) indicates that this missense variant is not expected to disrupt COL6A1 protein function with a negative predictive value of 95%. In summary, the available evidence is currently insufficient to determine the role of this variant in disease. Therefore, it has been classified as a Variant of Uncertain Significance.

NM_001848.3(COL6A1):c.2528A>G (p.His843Arg)

Gene: COL6A1 (collagen type VI alpha 1 chain; plus strand). Cytogenetic location: 21q22.3.
Variant type: single nucleotide variant.
Coding change: c.2528A>G on transcript NM_001848.3 (MANE Select); coding-DNA position 2528, A replaced by G.
Protein change: p.His843Arg; replaces histidine 843 with arginine.
Molecular consequence: missense variant.
Genome position (GRCh38, 1-based): chr21:46,003,454, A>G. VCF-style: chr21-46003454-A-G. GRCh37 (hg19) VCF-style: chr21-47423368-A-G.
Other names: short protein forms H843R.
Identifiers: ClinVar variation 4798237 (VCV004798237.1).